The following is an entry in ClinVar:

ClinVar aggregate classification (germline): Conflicting classifications of pathogenicity. Review status: criteria provided, conflicting classifications (1 of 4 stars). 2 submissions from 2 submitters: Pathogenic (1); Uncertain significance (1). Last evaluated 2023-01-02.

Submissions (2):

Labcorp Genetics (formerly Invitae), Labcorp
Classification: Pathogenic. Last evaluated: 2023-01-02. Review status: criteria provided, single submitter. Criteria: Invitae Variant Classification Sherloc (09022015). Collection method: clinical testing. Allele origin: germline.
Comment: For these reasons, this variant has been classified as Pathogenic. This variant has not been reported in the literature in individuals affected with PCLO-related conditions. The frequency data for this variant in the population databases is considered unreliable, as metrics indicate poor data quality at this position in the gnomAD database. This sequence change creates a premature translational stop signal (p.Leu1220Thrfs*4) in the PCLO gene. It is expected to result in an absent or disrupted protein product. Loss-of-function variants in PCLO are known to be pathogenic (PMID: 25832664, 30287594).

GeneDx
Classification: Uncertain significance. Last evaluated: 2020-01-07. Review status: criteria provided, single submitter. Criteria: GeneDx Variant Classification Process June 2021. Collection method: clinical testing. Allele origin: germline. Affected: yes.
Comment: Frameshift variant predicted to result in protein truncation or nonsense mediated decay in a gene for which loss-of-function is not a known mechanism of disease; Has not been previously published as pathogenic or benign to our knowledge; No data available from control populations to assess the frequency of this variant; Variants in candidate genes are classified as variants of uncertain significance in accordance with ACMG guidelines (Richards et al., 2015)

Literature cited by the submitters: PubMed 25832664 (cited by Labcorp Genetics (formerly Invitae), Labcorp); PubMed 30287594 (cited by Labcorp Genetics (formerly Invitae), Labcorp).

NM_033026.6(PCLO):c.3657dup (p.Leu1220fs)

Gene: PCLO (piccolo presynaptic cytomatrix protein; minus strand). Cytogenetic location: 7q21.11.
Variant type: Duplication.
Coding change: c.3657dup on transcript NM_033026.6 (MANE Select); coding-DNA position 3657, one base duplicated (A; older notation c.3657dupA).
Protein change: p.Leu1220fs; shifts the reading frame from leucine 1220.
Molecular consequence: frameshift variant.
Genome position (GRCh38, 1-based): chr7:82,966,131, T duplicated on the plus strand (A on the coding strand, the reverse complement: PCLO is on the minus strand); the first of 8 consecutive T bases (chr7:82,966,131-82,966,138); duplicating any one gives the same sequence. VCF-style (leftmost placement, unchanged base first): chr7-82966130-G-GT. GRCh37 (hg19) VCF-style: chr7-82595446-G-GT.
Other names: c.3657dup (NM_033026.5); c.3657dup, p.Leu1220fs (NM_014510.3); short protein forms L1220fs.
Identifiers: ClinVar variation 2900650 (VCV002900650.4), dbSNP rs1795765698, ClinGen allele CA576266861.